The following is an entry in ClinVar:

NM_001999.4(FBN2):c.756G>T (p.Glu252Asp)

Gene: FBN2 (fibrillin 2; minus strand). Cytogenetic location: 5q23.3.
Variant type: single nucleotide variant.
Coding change: c.756G>T on transcript NM_001999.4 (MANE Select); coding-DNA position 756, G replaced by T.
Protein change: p.Glu252Asp; replaces glutamic acid 252 with aspartic acid.
Molecular consequence: missense variant.
Genome position (GRCh38, 1-based): chr5:128,464,794, C>A on the plus strand (G>T on the coding strand, the complement: FBN2 is on the minus strand). VCF-style: chr5-128464794-C-A. GRCh37 (hg19) VCF-style: chr5-127800487-C-A.
Other names: short protein forms E252D.
Identifiers: ClinVar variation 263643 (VCV000263643.3), dbSNP rs565550310, ClinGen allele CA10587620.

ClinVar aggregate classification (germline): Uncertain significance (1 of 4 stars; one submission).

Conditions:
Cardiovascular phenotype. Identifiers: MedGen CN230736.

gnomAD v4.1: 2 of 1,614,192 alleles (0.00012%); highest among the groups gnomAD compares: Non-Finnish European, 0.00017%; no homozygotes.

Submission:

Ambry Genetics
Classification: Uncertain significance for Cardiovascular phenotype. Last evaluated: 2013-06-13. Review status: criteria provided, single submitter. Criteria: Ambry Autosomal Dominant and X-Linked criteria (10/2015). Collection method: clinical testing. Allele origin: germline. Observed: 1 variant allele.
Comment: The p.E252D variant (also known as c.756G>T) is located in coding exon 6 of the FBN2 gene. This alteration results from a G to T substitution at nucleotide position 756. The glutamic acid at codon 252 is replaced by aspartic acid, an amino acid with highly similar properties. This variant was not reported in population-based cohorts in the following databases: Database of Single Nucleotide Polymorphisms (dbSNP), NHLBI Exome Sequencing Project (ESP) and 1000 Genomes Project. Based on protein sequence alignment, this amino acid position is highly conserved in available vertebrate species. This alteration is predicted to be probably damaging and deleterious by PolyPhen and SIFT in silico analyses, respectively. Since supporting evidence is limited at this time, the clinical significance of this variant remains unclear.